The following is an entry in ClinVar:

ClinVar aggregate classification (germline): Uncertain significance. Review status: criteria provided, multiple submitters, no conflicts (2 of 4 stars). 2 submissions from 2 submitters: Uncertain significance (2). Last evaluated 2024-02-13.

Conditions:
Candidiasis, familial, 6 (CANDF6). Also called: Candidiasis, familial, 6, autosomal dominant. Identifiers: Orphanet 1334, MedGen C3151405, MONDO:0013503, OMIM 613956.

Allele frequency attached by ClinVar (database versions not stated): TOPMed 0.00001; ExAC 0.00002; gnomAD 0.00002; gnomAD exomes 0.00002.
gnomAD v4.1: 35 of 1,614,068 alleles (0.0022%); highest among the groups gnomAD compares: Non-Finnish European, 0.0023%; no homozygotes.

Submissions (2):

Labcorp Genetics (formerly Invitae), Labcorp
Classification: Uncertain significance for Candidiasis, familial, 6. Last evaluated: 2024-02-13. Review status: criteria provided, single submitter. Criteria: Invitae Variant Classification Sherloc (09022015). Collection method: clinical testing. Allele origin: germline.
Comment: This sequence change replaces asparagine, which is neutral and polar, with serine, which is neutral and polar, at codon 63 of the IL17F protein (p.Asn63Ser). This variant is present in population databases (rs780766050, gnomAD 0.004%). This variant has not been reported in the literature in individuals affected with IL17F-related conditions. ClinVar contains an entry for this variant (Variation ID: 2279205). Algorithms developed to predict the effect of missense changes on protein structure and function output the following: SIFT: "Not Available"; PolyPhen-2: "Benign"; Align-GVGD: "Not Available". The serine amino acid residue is found in multiple mammalian species, which suggests that this missense change does not adversely affect protein function. In summary, the available evidence is currently insufficient to determine the role of this variant in disease. Therefore, it has been classified as a Variant of Uncertain Significance.

Ambry Genetics
Classification: Uncertain significance. Last evaluated: 2022-03-21. Review status: criteria provided, single submitter. Criteria: Ambry Variant Classification Scheme 2023. Collection method: clinical testing. Allele origin: germline.

NM_052872.4(IL17F):c.188A>G (p.Asn63Ser)

Gene: IL17F (interleukin 17F; minus strand). Cytogenetic location: 6p12.2.
Variant type: single nucleotide variant.
Coding change: c.188A>G on transcript NM_052872.4 (MANE Select); coding-DNA position 188, A replaced by G.
Protein change: p.Asn63Ser; replaces asparagine 63 with serine.
Molecular consequence: missense variant.
Genome position (GRCh38, 1-based): chr6:52,238,796, T>C on the plus strand (A>G on the coding strand, the complement: IL17F is on the minus strand). VCF-style: chr6-52238796-T-C. GRCh37 (hg19) VCF-style: chr6-52103594-T-C.
Other names: short protein forms N63S.
Identifiers: ClinVar variation 2279205 (VCV002279205.4), dbSNP rs780766050, ClinGen allele CA3854429.